The following is an entry in ClinVar:

NM_006019.4(TCIRG1):c.332T>A (p.Val111Glu)

Gene: TCIRG1 (T cell immune regulator 1, ATPase H+ transporting V0 subunit a3; plus strand). Cytogenetic location: 11q13.2.
Variant type: single nucleotide variant.
Coding change: c.332T>A on transcript NM_006019.4 (MANE Select); coding-DNA position 332, T replaced by A.
Protein change: p.Val111Glu; replaces valine 111 with glutamic acid.
Molecular consequence: missense variant. On other transcripts: 5 prime UTR variant (1).
Genome position (GRCh38, 1-based): chr11:68,042,778, T>A. VCF-style: chr11-68042778-T-A. GRCh37 (hg19) VCF-style: chr11-67810245-T-A.
Other names: c.-918T>A (NM_001351059.2); c.332T>A (NM_006019.3); short protein forms V111E.
Identifiers: ClinVar variation 1366133 (VCV001366133.6), dbSNP rs1364074551, ClinGen allele CA381576102.

ClinVar aggregate classification (germline): Uncertain significance. Review status: criteria provided, multiple submitters, no conflicts (2 of 4 stars). 2 submissions from 2 submitters: Uncertain significance (2). Last evaluated 2025-09-13.

Conditions:
Inborn genetic diseases. Identifiers: MedGen C0950123, MeSH D030342.

Allele frequency attached by ClinVar (database versions not stated): gnomAD 0.00001; gnomAD exomes 0.00003 and 0.00004.

Submissions (2):

Labcorp Genetics (formerly Invitae), Labcorp
Classification: Uncertain significance. Last evaluated: 2025-09-13. Review status: criteria provided, single submitter. Criteria: Invitae Variant Classification Sherloc (09022015). Collection method: clinical testing. Allele origin: germline.
Comment: This sequence change replaces valine, which is neutral and non-polar, with glutamic acid, which is acidic and polar, at codon 111 of the TCIRG1 protein (p.Val111Glu). This variant is present in population databases (no rsID available, gnomAD 0.006%). This variant has not been reported in the literature in individuals affected with TCIRG1-related conditions. ClinVar contains an entry for this variant (Variation ID: 1366133). Invitae Evidence Modeling of protein sequence and biophysical properties (such as structural, functional, and spatial information, amino acid conservation, physicochemical variation, residue mobility, and thermodynamic stability) indicates that this missense variant is not expected to disrupt TCIRG1 protein function with a negative predictive value of 80%. In summary, the available evidence is currently insufficient to determine the role of this variant in disease. Therefore, it has been classified as a Variant of Uncertain Significance.

Ambry Genetics
Classification: Uncertain significance for Inborn genetic diseases. Last evaluated: 2024-03-19. Review status: criteria provided, single submitter. Criteria: Ambry Variant Classification Scheme 2023. Collection method: clinical testing. Allele origin: germline.